The following is an entry in ClinVar:

NM_022124.6(CDH23):c.3633G>T (p.Gln1211His)

Genes: C10orf105 (chromosome 10 open reading frame 105; minus strand), CDH23 (cadherin related 23; plus strand). Cytogenetic location: 10q22.1.
Variant type: single nucleotide variant.
Coding change: c.3633G>T on transcript NM_022124.6 (MANE Select); coding-DNA position 3633, G replaced by T.
Protein change: p.Gln1211His; replaces glutamine 1211 with histidine.
Molecular consequence: missense variant. On other transcripts: intron variant (1).
Genome position (GRCh38, 1-based): chr10:71,730,522, G>T. VCF-style: chr10-71730522-G-T. GRCh37 (hg19) VCF-style: chr10-73490279-G-T.
Other names: c.3633G>T, p.Gln1211His (NM_001171930.2); c.-6+7206C>A (NM_001168390.2); short protein forms Q1211H.
Identifiers: ClinVar variation 2175457 (VCV002175457.3), dbSNP rs368825395, ClinGen allele CA5544792.

ClinVar aggregate classification (germline): Uncertain significance. Review status: criteria provided, multiple submitters, no conflicts (2 of 4 stars). 2 submissions from 2 submitters: Uncertain significance (2). Last evaluated 2026-01-24.

Conditions:
Inborn genetic diseases. Identifiers: MedGen C0950123, MeSH D030342.

Allele frequency attached by ClinVar (database versions not stated): TOPMed 0.00010; gnomAD 0.00012; gnomAD exomes below 0.00001; ExAC 0.00003; ESP Exome Variant Server 0.00016.
gnomAD v4.1: 24 of 1,613,864 alleles (0.0015%); highest among the groups gnomAD compares: African/African-American, 0.032%; no homozygotes.

Submissions (2):

Labcorp Genetics (formerly Invitae), Labcorp
Classification: Uncertain significance. Last evaluated: 2026-01-24. Review status: criteria provided, single submitter. Criteria: Invitae Variant Classification Sherloc (09022015). Collection method: clinical testing. Allele origin: germline.
Comment: This sequence change replaces glutamine, which is neutral and polar, with histidine, which is basic and polar, at codon 1211 of the CDH23 protein (p.Gln1211His). This variant is present in population databases (rs368825395, gnomAD 0.04%). This variant has not been reported in the literature in individuals affected with CDH23-related conditions. ClinVar contains an entry for this variant (Variation ID: 2175457). Invitae Evidence Modeling of protein sequence and biophysical properties (such as structural, functional, and spatial information, amino acid conservation, physicochemical variation, residue mobility, and thermodynamic stability) has been performed for this missense variant. However, the output from this modeling did not meet the statistical confidence thresholds required to predict the impact of this variant on CDH23 protein function. In summary, the available evidence is currently insufficient to determine the role of this variant in disease. Therefore, it has been classified as a Variant of Uncertain Significance.

Ambry Genetics
Classification: Uncertain significance for Inborn genetic diseases. Last evaluated: 2023-04-11. Review status: criteria provided, single submitter. Criteria: Ambry Variant Classification Scheme 2023. Collection method: clinical testing. Allele origin: germline.